The following is an entry in ClinVar:

NM_001256789.3(CACNA1F):c.584G>A (p.Gly195Glu)

Gene: CACNA1F (calcium voltage-gated channel subunit alpha1 F; minus strand). Cytogenetic location: Xp11.23.
Variant type: single nucleotide variant.
Coding change: c.584G>A on transcript NM_001256789.3 (MANE Select); coding-DNA position 584, G replaced by A.
Protein change: p.Gly195Glu; replaces glycine 195 with glutamic acid.
Molecular consequence: missense variant.
Genome position (GRCh38, 1-based): chrX:49,230,547, C>T on the plus strand (G>A on the coding strand, the complement: CACNA1F is on the minus strand). VCF-style: chrX-49230547-C-T. GRCh37 (hg19) VCF-style: chrX-49087009-C-T.
Other names: c.389G>A, p.Gly130Glu (NM_001256790.3); c.584G>A, p.Gly195Glu (NM_005183.4); short protein forms G195E, G130E.
Identifiers: ClinVar variation 2130034 (VCV002130034.5), dbSNP rs1557111076, ClinGen allele CA412925419.

ClinVar aggregate classification (germline): Uncertain significance. Review status: criteria provided, multiple submitters, no conflicts (2 of 4 stars). 2 submissions from 2 submitters: Uncertain significance (2). Last evaluated 2022-08-22.

Allele frequency attached by ClinVar (database versions not stated): gnomAD exomes 0.00001.

Submissions (2):

Labcorp Genetics (formerly Invitae), Labcorp
Classification: Uncertain significance. Last evaluated: 2022-08-22. Review status: criteria provided, single submitter. Criteria: Invitae Variant Classification Sherloc (09022015). Collection method: clinical testing. Allele origin: germline.
Comment: In summary, the available evidence is currently insufficient to determine the role of this variant in disease. Therefore, it has been classified as a Variant of Uncertain Significance. Algorithms developed to predict the effect of missense changes on protein structure and function are either unavailable or do not agree on the potential impact of this missense change (SIFT: "Deleterious"; PolyPhen-2: "Probably Damaging"; Align-GVGD: "Class C0"). This variant has not been reported in the literature in individuals affected with CACNA1F-related conditions. This variant is present in population databases (no rsID available, gnomAD 0.02%). This sequence change replaces glycine, which is neutral and non-polar, with glutamic acid, which is acidic and polar, at codon 195 of the CACNA1F protein (p.Gly195Glu).

Blueprint Genetics
Classification: Uncertain significance. Last evaluated: 2021-08-12. Review status: criteria provided, single submitter. Criteria: ACMG Guidelines, 2015. Collection method: clinical testing. Allele origin: germline.